The following is an entry in ClinVar:

ClinVar aggregate classification (germline): Pathogenic (1 of 4 stars; one submission).

Conditions:
Vici syndrome (VICIS). Identifiers: Orphanet 1493, MedGen C1855772, MONDO:0009452, OMIM 242840.

Submission:

Labcorp Genetics (formerly Invitae), Labcorp
Classification: Pathogenic for Vici syndrome. Last evaluated: 2023-10-08. Review status: criteria provided, single submitter. Criteria: Invitae Variant Classification Sherloc (09022015). Collection method: clinical testing. Allele origin: germline.
Comment: This sequence change creates a premature translational stop signal (p.Cys112Valfs*21) in the EPG5 gene. It is expected to result in an absent or disrupted protein product. Loss-of-function variants in EPG5 are known to be pathogenic (PMID: 23222957, 23674064). This variant is not present in population databases (gnomAD no frequency). This variant has not been reported in the literature in individuals affected with EPG5-related conditions. For these reasons, this variant has been classified as Pathogenic.

Literature cited by the submitters: PubMed 23222957; PubMed 23674064.

NM_020964.3(EPG5):c.333del (p.Cys112fs)

Gene: EPG5 (ectopic P-granules 5 autophagy tethering factor; minus strand). Cytogenetic location: 18q21.1.
Variant type: Deletion.
Coding change: c.333del on transcript NM_020964.3 (MANE Select); coding-DNA position 333, one base deleted (C; older notation c.333delC).
Protein change: p.Cys112fs; shifts the reading frame from cysteine 112.
Molecular consequence: frameshift variant.
Genome position (GRCh38, 1-based): chr18:45,955,069, G deleted on the plus strand (C on the coding strand, the reverse complement: EPG5 is on the minus strand); the first of 3 consecutive G bases (chr18:45,955,069-45,955,071); deleting any one gives the same sequence. VCF-style (leftmost placement, unchanged base first): chr18-45955068-AG-A. GRCh37 (hg19) VCF-style: chr18-43535034-AG-A.
Other names: c.333del, p.Cys112fs (NM_001410858.1, NM_001410859.1); short protein forms C112fs.
Identifiers: ClinVar variation 2962792 (VCV002962792.3), dbSNP rs2512130199, ClinGen allele CA2641633951.
Genomic context (GRCh38, chr18:45,955,068, plus strand): 5'-CTTTAGTTCCAACATTGTCTCCAGGGTGGACCTTTGGAGTGACTGCACTGTCCCCCACAC[AG>A]GGTCTGGCCTCTCCCCCTTCCTTTGGGGGCTCTGTGTTACACGTCAGGGACTCTTCATTG-3'